The following is an entry in ClinVar:

NM_015166.4(MLC1):c.470C>T (p.Ala157Val)

Gene: MLC1 (modulator of VRAC current 1; minus strand). Cytogenetic location: 22q13.33.
Variant type: single nucleotide variant.
Coding change: c.470C>T on transcript NM_015166.4 (MANE Select); coding-DNA position 470, C replaced by T.
Protein change: p.Ala157Val; replaces alanine 157 with valine.
Molecular consequence: missense variant. On other transcripts: non-coding transcript variant (3).
Genome position (GRCh38, 1-based): chr22:50,077,456, G>A on the plus strand (C>T on the coding strand, the complement: MLC1 is on the minus strand). VCF-style: chr22-50077456-G-A. GRCh37 (hg19) VCF-style: chr22-50515885-G-A.
Other names: c.470C>T, p.Ala157Val (NM_139202.3, NM_001376472.1, NM_001376473.1 and 6 more transcripts); c.380C>T, p.Ala127Val (NM_001376480.1); c.368C>T, p.Ala123Val (NM_001376481.1); c.314C>T, p.Ala105Val (NM_001376482.1, NM_001376483.1); c.233C>T, p.Ala78Val (NM_001376484.1); short protein forms A105V, A127V, A157V, A78V, A123V.
Identifiers: ClinVar variation 3013711 (VCV003013711.3), dbSNP rs1219458189, ClinGen allele CA412109792.

ClinVar aggregate classification (germline): Uncertain significance (1 of 4 stars; one submission).

gnomAD v4.1: 6 of 1,613,898 alleles (0.00037%); highest among the groups gnomAD compares: African/African-American, 0.0013%; no homozygotes.

Submission:

Labcorp Genetics (formerly Invitae), Labcorp
Classification: Uncertain significance. Last evaluated: 2024-02-28. Review status: criteria provided, single submitter. Criteria: Invitae Variant Classification Sherloc (09022015). Collection method: clinical testing. Allele origin: germline.
Comment: This sequence change replaces alanine, which is neutral and non-polar, with valine, which is neutral and non-polar, at codon 157 of the MLC1 protein (p.Ala157Val). This variant is present in population databases (no rsID available, gnomAD 0.007%). This missense change has been observed in individual(s) with clinical features of megalencephalic leukoencephalopathy with subcortical cysts (Invitae). In at least one individual the data is consistent with being in trans (on the opposite chromosome) from a pathogenic variant. Advanced modeling of protein sequence and biophysical properties (such as structural, functional, and spatial information, amino acid conservation, physicochemical variation, residue mobility, and thermodynamic stability) performed at Invitae indicates that this missense variant is not expected to disrupt MLC1 protein function with a negative predictive value of 80%. This variant disrupts the p.Ala157 amino acid residue in MLC1. Other variant(s) that disrupt this residue have been observed in individuals with MLC1-related conditions (PMID: 23851226), which suggests that this may be a clinically significant amino acid residue. In summary, the available evidence is currently insufficient to determine the role of this variant in disease. Therefore, it has been classified as a Variant of Uncertain Significance.

Literature cited by the submitters: PubMed 23851226.